The following is an entry in ClinVar:

ClinVar aggregate classification (germline): Uncertain significance (1 of 4 stars; one submission).

Conditions:
Multiple sulfatase deficiency (MSD). Also called: Mucosulfatidosis; Multiple Sulfatase Deficiency Disease; Sulfatidosis, Juvenile, Austin Type. Identifiers: Orphanet 585, MedGen C0268263, MONDO:0010088, OMIM 272200.

Submission:

Laboratorio de Genetica e Diagnostico Molecular, Hospital Israelita Albert Einstein
Classification: Uncertain significance for Multiple sulfatase deficiency. Last evaluated: 2024-09-13. Review status: criteria provided, single submitter. Criteria: ACMG Guidelines, 2015. Collection method: clinical testing. Allele origin: germline. Affected: yes.
Comment: ACMG classification criteria: PM2 supporting, PP3 supporting

NM_182760.4(SUMF1):c.903G>T (p.Trp301Cys)

Gene: SUMF1 (sulfatase modifying factor 1; minus strand). Cytogenetic location: 3p26.1.
Variant type: single nucleotide variant.
Coding change: c.903G>T on transcript NM_182760.4 (MANE Select); coding-DNA position 903, G replaced by T.
Protein change: p.Trp301Cys; replaces tryptophan 301 with cysteine.
Molecular consequence: missense variant.
Genome position (GRCh38, 1-based): chr3:4,410,916, C>A on the plus strand (G>T on the coding strand, the complement: SUMF1 is on the minus strand). VCF-style: chr3-4410916-C-A. GRCh37 (hg19) VCF-style: chr3-4452600-C-A.
Other names: c.828G>T, p.Trp276Cys (NM_001164674.2); c.903G>T, p.Trp301Cys (NM_001164675.2); short protein forms W276C, W301C.
Identifiers: ClinVar variation 4076232 (VCV004076232.1).
Genomic context (GRCh38, chr3:4,410,916, plus strand): 5'-AATACTCACTGGGTTAAGCGTTTCTTCAACAGAATGATGAACAGTCCACCAGTCTGAAGT[C>A]CATTCCCATGCGTTCCCCACTATGTTGTATAAGCCATAACCATTGGGAGGGAAGGCATCA-3'
Protein context (NP_877437.2, residues 291-311): LYNIVGNAWE[Trp301Cys]TSDWWTVHHS